The following is an entry in ClinVar:

NM_003079.5(SMARCE1):c.120G>T (p.Arg40Ser)

Gene: SMARCE1 (SWI/SNF related BAF chromatin remodeling complex subunit E1; minus strand). Cytogenetic location: 17q21.2.
Variant type: single nucleotide variant.
Coding change: c.120G>T on transcript NM_003079.5 (MANE Select); coding-DNA position 120, G replaced by T.
Protein change: p.Arg40Ser; replaces arginine 40 with serine.
Molecular consequence: missense variant.
Genome position (GRCh38, 1-based): chr17:40,642,491, C>A on the plus strand (G>T on the coding strand, the complement: SMARCE1 is on the minus strand). VCF-style: chr17-40642491-C-A. GRCh37 (hg19) VCF-style: chr17-38798743-C-A.
Other names: short protein forms R40S.
Identifiers: ClinVar variation 2136727 (VCV002136727.5), dbSNP rs2508613514, ClinGen allele CA399369708.
Genomic context (GRCh38, chr17:40,642,491, plus strand): 5'-TGCTGTAATAGTTGATTCTCCTACCGTGACCCGGCTGTTGGTGCCCGGGTTCCCTCCCAG[C>A]CTGTAGTTGTTGTAGGCGAGATGACTGTATGGATTGTATCCCACAAACCCTGGTGTGCTG-3'
Protein context (NP_003070.3, residues 30-50): PYSHLAYNNY[Arg40Ser]LGGNPGTNSR

ClinVar aggregate classification (germline): Uncertain significance. Review status: criteria provided, multiple submitters, no conflicts (2 of 4 stars). 2 submissions from 2 submitters: Uncertain significance (2). Last evaluated 2025-02-19.

Conditions:
Familial meningioma. Also called: Meningioma, familial, susceptibility to. Identifiers: Orphanet 263662, MedGen C3551915, MONDO:0011789, OMIM 607174.
Hereditary cancer-predisposing syndrome. Also called: Hereditary neoplastic syndrome; Hereditary Cancer Syndrome; Tumor predisposition; Neoplastic Syndromes, Hereditary. Identifiers: Orphanet 140162, MedGen C0027672, MeSH D009386, MONDO:0015356.

Submissions (2):

Ambry Genetics
Classification: Uncertain significance for Hereditary cancer-predisposing syndrome. Last evaluated: 2025-02-19. Review status: criteria provided, single submitter. Criteria: Ambry Variant Classification Scheme 2023. Collection method: clinical testing. Allele origin: germline.
Comment: The p.R40S variant (also known as c.120G>T), located in coding exon 3 of the SMARCE1 gene, results from a G to T substitution at nucleotide position 120. The arginine at codon 40 is replaced by serine, an amino acid with dissimilar properties. This amino acid position is conserved. In addition, the in silico prediction for this alteration is inconclusive. Based on the available evidence, the clinical significance of this variant remains unclear.

Labcorp Genetics (formerly Invitae), Labcorp
Classification: Uncertain significance for Familial meningioma. Last evaluated: 2022-02-18. Review status: criteria provided, single submitter. Criteria: Invitae Variant Classification Sherloc (09022015). Collection method: clinical testing. Allele origin: germline.
Comment: This sequence change replaces arginine, which is basic and polar, with serine, which is neutral and polar, at codon 40 of the SMARCE1 protein (p.Arg40Ser). This variant is not present in population databases (gnomAD no frequency). This variant has not been reported in the literature in individuals affected with SMARCE1-related conditions. Algorithms developed to predict the effect of missense changes on protein structure and function (SIFT, PolyPhen-2, Align-GVGD) all suggest that this variant is likely to be tolerated. In summary, the available evidence is currently insufficient to determine the role of this variant in disease. Therefore, it has been classified as a Variant of Uncertain Significance.